The following is an entry in ClinVar:

ClinVar aggregate classification (germline): Uncertain significance (1 of 4 stars; one submission).

Allele frequency attached by ClinVar (database versions not stated): TOPMed 0.00005; 1000 Genomes Project 30x 0.00016; gnomAD 0.00009; ESP Exome Variant Server 0.00008; gnomAD exomes 0.00015.
gnomAD v4.1: 233 of 1,614,076 alleles (0.014%); highest among the groups gnomAD compares: Non-Finnish European, 0.018%; no homozygotes.

Submission:

Ambry Genetics
Classification: Uncertain significance. Last evaluated: 2026-07-01. Review status: criteria provided, single submitter. Criteria: Ambry Variant Classification Scheme 2023. Collection method: clinical testing. Allele origin: germline.
Comment: The p.R684Q variant (also known as c.2051G>A), located in coding exon 13 of the PTPRD gene, results from a G to A substitution at nucleotide position 2051. The arginine at codon 684 is replaced by glutamine, an amino acid with highly similar properties. This amino acid position is conserved. In addition, this alteration is predicted to be tolerated by in silico analysis. Based on the available evidence, the clinical significance of this variant remains unclear.

NM_002839.4(PTPRD):c.2051G>A (p.Arg684Gln)

Gene: PTPRD (protein tyrosine phosphatase receptor type D; minus strand). Cytogenetic location: 9p24.1.
Variant type: single nucleotide variant.
Coding change: c.2051G>A on transcript NM_002839.4 (MANE Select); coding-DNA position 2051, G replaced by A.
Protein change: p.Arg684Gln; replaces arginine 684 with glutamine.
Molecular consequence: missense variant. On other transcripts: intron variant (7).
Genome position (GRCh38, 1-based): chr9:8,500,831, C>T on the plus strand (G>A on the coding strand, the complement: PTPRD is on the minus strand). VCF-style: chr9-8500831-C-T. GRCh37 (hg19) VCF-style: chr9-8500831-C-T.
Other names: c.1813+3430G>A (NM_001040712.2, NM_001377947.1); c.1804+3430G>A (NM_130393.3, NM_001377946.1); c.1822+3430G>A (NM_130392.3, NM_130391.4); c.2051G>A, p.Arg684Gln (NM_001377958.1, NM_001378058.1); c.1792+3430G>A (NM_001171025.2); short protein forms R684Q.
Identifiers: ClinVar variation 2220562 (VCV002220562.4), dbSNP rs202068877, ClinGen allele CA4984320.